The following is an entry in ClinVar:

ClinVar aggregate classification (germline): Uncertain significance. Review status: criteria provided, multiple submitters, no conflicts (2 of 4 stars). 2 submissions from 2 submitters: Uncertain significance (2). Last evaluated 2025-09-26.

Conditions:
Inborn genetic diseases. Identifiers: MedGen C0950123, MeSH D030342.

Allele frequency attached by ClinVar (database versions not stated): gnomAD exomes 0.00004; gnomAD 0.00003; ExAC 0.00002.
gnomAD v4.1: 68 of 1,613,870 alleles (0.0042%); highest among the groups gnomAD compares: Non-Finnish European, 0.0055%; no homozygotes.

Submissions (2):

Ambry Genetics
Classification: Uncertain significance for Inborn genetic diseases. Last evaluated: 2025-09-26. Review status: criteria provided, single submitter. Criteria: Ambry Variant Classification Scheme 2023. Collection method: clinical testing. Allele origin: germline.

Labcorp Genetics (formerly Invitae), Labcorp
Classification: Uncertain significance. Last evaluated: 2023-12-07. Review status: criteria provided, single submitter. Criteria: Invitae Variant Classification Sherloc (09022015). Collection method: clinical testing. Allele origin: germline.
Comment: This sequence change replaces alanine, which is neutral and non-polar, with threonine, which is neutral and polar, at codon 415 of the HTRA2 protein (p.Ala415Thr). This variant is present in population databases (rs752258744, gnomAD 0.005%). This variant has not been reported in the literature in individuals affected with HTRA2-related conditions. ClinVar contains an entry for this variant (Variation ID: 2185155). Advanced modeling of protein sequence and biophysical properties (such as structural, functional, and spatial information, amino acid conservation, physicochemical variation, residue mobility, and thermodynamic stability) performed at Invitae indicates that this missense variant is not expected to disrupt HTRA2 protein function with a negative predictive value of 80%. In summary, the available evidence is currently insufficient to determine the role of this variant in disease. Therefore, it has been classified as a Variant of Uncertain Significance.

NM_013247.5(HTRA2):c.1243G>A (p.Ala415Thr)

Genes: HTRA2 (HtrA serine peptidase 2; plus strand), LOXL3 (lysyl oxidase like 3; minus strand). Cytogenetic location: 2p13.1.
Variant type: single nucleotide variant.
Coding change: c.1243G>A on transcript NM_013247.5 (MANE Select); coding-DNA position 1243, G replaced by A.
Protein change: p.Ala415Thr; replaces alanine 415 with threonine.
Molecular consequence: missense variant. On other transcripts: non-coding transcript variant (4), 3 prime UTR variant (3).
Genome position (GRCh38, 1-based): chr2:74,532,851, G>A. VCF-style: chr2-74532851-G-A. GRCh37 (hg19) VCF-style: chr2-74759978-G-A.
Other names: c.1177G>A, p.Ala393Thr (NM_001321727.1); c.1147G>A, p.Ala383Thr (NM_001321728.1); c.952G>A, p.Ala318Thr (NM_145074.2); c.*755C>T (NM_001289164.3, NM_001289165.2, NM_032603.5); short protein forms A393T, A318T, A415T, A383T.
Identifiers: ClinVar variation 2185155 (VCV002185155.3), dbSNP rs752258744, ClinGen allele CA1728617.